The following is an entry in ClinVar:

ClinVar aggregate classification (germline): Uncertain significance (1 of 4 stars; one submission).

Conditions:
Cardiovascular phenotype. Identifiers: MedGen CN230736.

Submission:

Ambry Genetics
Classification: Uncertain significance for Cardiovascular phenotype. Last evaluated: 2024-01-24. Review status: criteria provided, single submitter. Criteria: Ambry Variant Classification Scheme 2023. Collection method: clinical testing. Allele origin: germline.
Comment: The c.1907-3_1907-2delCA intronic variant, located in intron 36 of the TRDN gene, results from a deletion of two nucleotides within intron 36 of the TRDN gene. This nucleotide positions are well conserved in available vertebrate species. In silico splice site analysis predicts that this alteration will weaken the native splice acceptor site. Based on the available evidence, the clinical significance of this alteration remains unclear.

NM_006073.4(TRDN):c.1907-3_1907-2del

Gene: TRDN (triadin; minus strand). Cytogenetic location: 6q22.31.
Variant type: Deletion.
Coding change: c.1907-3_1907-2del on transcript NM_006073.4 (MANE Select); 3 bases into the intron before coding-DNA position 1907 through the canonical splice acceptor site of the intron before coding-DNA position 1907, 2 bases deleted (CA; older notation c.1907-3_1907-2delCA).
Molecular consequence: splice acceptor variant.
Genome position (GRCh38, 1-based): chr6:123,255,127-123,255,128, TG deleted on the plus strand (CA on the coding strand, the reverse complement: TRDN is on the minus strand); deleting any 2 consecutive bases within chr6:123,255,127-123,255,129 gives the same sequence; the c. name uses the placement nearest the transcript's 3' end. VCF-style (leftmost placement, unchanged base first): chr6-123255126-CTG-C. GRCh37 (hg19) VCF-style: chr6-123576271-CTG-C.
Identifiers: ClinVar variation 1782405 (VCV001782405.2), dbSNP rs1208707769, ClinGen allele CA570329113.